The following is an entry in ClinVar:

ClinVar aggregate classification (germline): Uncertain significance (1 of 4 stars; one submission).

Conditions:
Nemaline myopathy 2 (NEM2). Also called: Nemaline myopathy 2, autosomal recessive. Identifiers: MedGen C1850569, MONDO:0009725, OMIM 256030.

Submission:

Labcorp Genetics (formerly Invitae), Labcorp
Classification: Uncertain significance for Nemaline myopathy 2. Last evaluated: 2022-02-24. Review status: criteria provided, single submitter. Criteria: Invitae Variant Classification Sherloc (09022015). Collection method: clinical testing. Allele origin: germline.
Comment: Variants that disrupt the consensus splice site are a relatively common cause of aberrant splicing (PMID: 17576681, 9536098). Algorithms developed to predict the effect of sequence changes on RNA splicing suggest that this variant may disrupt the consensus splice site. ClinVar contains an entry for this variant (Variation ID: 853042). This variant has not been reported in the literature in individuals affected with NEB-related conditions. This variant is not present in population databases (gnomAD no frequency). This sequence change falls in intron 134 of the NEB gene. It does not directly change the encoded amino acid sequence of the NEB protein. It affects a nucleotide within the consensus splice site. In summary, the available evidence is currently insufficient to determine the role of this variant in disease. Therefore, it has been classified as a Variant of Uncertain Significance.

Literature cited by the submitters: PubMed 17576681; PubMed 9536098.

NM_001164508.2(NEB):c.20466+5G>C

Gene: NEB (nebulin; minus strand). Cytogenetic location: 2q23.3.
Variant type: single nucleotide variant.
Coding change: c.20466+5G>C on transcript NM_001164508.2 (MANE Select); 5 bases into the intron after coding-DNA position 20466, G replaced by C.
Molecular consequence: intron variant.
Genome position (GRCh38, 1-based): chr2:151,546,340, C>G on the plus strand (G>C on the coding strand, the complement: NEB is on the minus strand). VCF-style: chr2-151546340-C-G. GRCh37 (hg19) VCF-style: chr2-152402854-C-G.
Other names: c.20466+5G>C (NM_001164507.2, NM_001271208.2); c.15363+5G>C (NM_004543.5).
Identifiers: ClinVar variation 853042 (VCV000853042.7), dbSNP rs2094687409, ClinGen allele CA916080272.